The following is an entry in ClinVar:

ClinVar aggregate classification (germline): Likely pathogenic (1 of 4 stars; one submission).

Conditions:
Autosomal recessive polycystic kidney disease (ARPKD). Also called: AR polycystic kidney disease. Identifiers: Orphanet 731, Orphanet 8378, MedGen C0085548, MeSH D017044, MONDO:0009889.

Submission:

Natera, Inc.
Classification: Likely pathogenic for Autosomal recessive polycystic kidney disease. Last evaluated: 2024-08-07. Review status: criteria provided, single submitter. Criteria: Natera Variant Classification Schema (03/2026). Collection method: clinical testing. Allele origin: germline.
Comment: The c.5169del variant in PKHD1 is a frameshift variant predicted to shift the reading frame beginning at codon 1725 and leads to a stop codon 17 codons downstream. This variant is expected to result in nonsense mediated decay, truncation, or a dysfunctional protein product. This variant is rare in the general population with a frequency below the threshold expected for the associated phenotype(s). Given the available evidence, this variant is classified as Likely Pathogenic.

NM_138694.4(PKHD1):c.5169del (p.Trp1725fs)

Genes: PKHD1 (PKHD1 ciliary IPT domain containing fibrocystin/polyductin; minus strand), LOC126859690 (MED14-independent group 3 enhancer GRCh37_chr6:51888848-51890047; plus strand). Cytogenetic location: 6p12.2.
Variant type: Deletion.
Coding change: c.5169del on transcript NM_138694.4 (MANE Select); coding-DNA position 5169, one base deleted (A; older notation c.5169delA).
Protein change: p.Trp1725fs; shifts the reading frame from tryptophan 1725.
Molecular consequence: frameshift variant.
Genome position (GRCh38, 1-based): chr6:52,024,641, T deleted on the plus strand (A on the coding strand, the reverse complement: PKHD1 is on the minus strand). VCF-style (leftmost placement, unchanged base first): chr6-52024640-CT-C. GRCh37 (hg19) VCF-style: chr6-51889438-CT-C.
Other names: c.5169del, p.Trp1725fs (NM_170724.3); short protein forms W1725fs.
Identifiers: ClinVar variation 4816685 (VCV004816685.1).